The following is an entry in ClinVar:

NM_033380.3(COL4A5):c.2519G>A (p.Gly840Glu)

Gene: COL4A5 (collagen type IV alpha 5 chain; plus strand). Cytogenetic location: Xq22.3.
Variant type: single nucleotide variant.
Coding change: c.2519G>A on transcript NM_033380.3 (MANE Select); coding-DNA position 2519, G replaced by A.
Protein change: p.Gly840Glu; replaces glycine 840 with glutamic acid.
Molecular consequence: missense variant.
Genome position (GRCh38, 1-based): chrX:108,620,268, G>A. VCF-style: chrX-108620268-G-A. GRCh37 (hg19) VCF-style: chrX-107863498-G-A.
Other names: c.2519G>A, p.Gly840Glu (NM_000495.5); short protein forms G840E.
Identifiers: ClinVar variation 4796718 (VCV004796718.1).

ClinVar aggregate classification (germline): Uncertain significance (1 of 4 stars; one submission).

Conditions:
X-linked Alport syndrome (ATS1). Also called: COL4A5-Related Nephropathy; NEPHROPATHY AND DEAFNESS, X-LINKED. Identifiers: Orphanet 63, Orphanet 88917, MedGen C4746986, MONDO:0010520, OMIM 301050.

Submission:

Department of Nephrology, Rheumatology and Immunology, Shanghai Children's Hospital
Classification: Uncertain significance for X-linked Alport syndrome. Last evaluated: 2020-03-21. Review status: criteria provided, single submitter. Criteria: ACMG Guidelines, 2015. Collection method: clinical testing. Allele origin: maternal. Affected: yes. Observed: 1 variant allele.
Comment: The NM_000495.5(COL4A5):c.2519G>A (p.Gly840Glu) is a missense variant located in a Gly-X-Y repeat of the collagenous domain of COL4A5. This variant is reported to have an extremely low frequency in the gnomAD v3.1.2 (GRCh38) population database (PM2). Multiple computational tools, including SIFT and PolyPhen, predict this variant to have a deleterious effect on the protein product (PP3). In summary, this variant meets criteria to be classified as Uncertain Significance for Alport syndrome based on the ACMG/AMP 2015 criteria applied: PM2, PP1, PP3, PP4.